The following is an entry in ClinVar:

ClinVar aggregate classification (germline): Likely benign (1 of 4 stars; one submission).

Allele frequency attached by ClinVar (database versions not stated): ExAC 0.00141; ESP Exome Variant Server 0.00352; 1000 Genomes Project 0.00459; 1000 Genomes Project 30x 0.00484.
gnomAD v4.1: 1,439 of 1,556,442 alleles (0.092%); highest among the groups gnomAD compares: African/African-American, 1.7%; 12 homozygotes.

Submission:

GeneDx
Classification: Likely benign. Last evaluated: 2021-02-24. Review status: criteria provided, single submitter. Criteria: GeneDx Variant Classification Process June 2021. Collection method: clinical testing. Allele origin: germline. Affected: yes.
Comment: See Variant Classification Assertion Criteria.

NM_024598.4(USB1):c.-51G>C

Genes: USB1 (U6 snRNA biogenesis phosphodiesterase 1; plus strand), LOC112469011 (Sharpr-MPRA regulatory region 3942; plus strand). Cytogenetic location: 16q21.
Variant type: single nucleotide variant.
Coding change: c.-51G>C on transcript NM_024598.4 (MANE Select); 51 bases upstream of the start codon, G replaced by C.
Molecular consequence: 5 prime UTR variant. On other transcripts: intron variant (1).
Genome position (GRCh38, 1-based): chr16:58,001,433, G>C. VCF-style: chr16-58001433-G-C. GRCh37 (hg19) VCF-style: chr16-58035337-G-C.
Other names: c.-51G>C (NM_001195302.2, NM_001204911.2, NM_001330569.2); c.-55-1046G>C (NM_001330568.2).
Identifiers: ClinVar variation 1706801 (VCV001706801.2), dbSNP rs73546949, ClinGen allele CA8084748.